The following is an entry in ClinVar:

NM_001042492.3(NF1):c.5529del (p.Lys1844fs)

Gene: NF1 (neurofibromin 1; plus strand). Cytogenetic location: 17q11.2.
Variant type: Deletion.
Coding change: c.5529del on transcript NM_001042492.3 (MANE Select); coding-DNA position 5529, one base deleted (C; older notation c.5529delC).
Protein change: p.Lys1844fs; shifts the reading frame from lysine 1844.
Molecular consequence: frameshift variant.
Genome position (GRCh38, 1-based): chr17:31,327,759, C deleted; the last of 2 consecutive C bases (chr17:31,327,758-31,327,759); deleting either gives the same sequence. VCF-style (leftmost placement, unchanged base first): chr17-31327757-AC-A. GRCh37 (hg19) VCF-style: chr17-29654775-AC-A.
Other names: c.5466delC, p.Lys1823Argfs (NM_000267.4); short protein forms K1823fs, K1844fs.
Identifiers: ClinVar variation 2972858 (VCV002972858.3), dbSNP rs1555533628, ClinGen allele CA2695225030.
Genomic context (GRCh38, chr17:31,327,757, plus strand): 5'-TCTATCATTCATATCCGGACCCGCTGGGAACTGTCACAGCCCGACTCTATCCCCCAACAC[AC>A]CAAGATTCGGCCAAAAGATGTCCCTGGGACACTGCTCAATATCGCATTACTTAATTTAGG-3'

ClinVar aggregate classification (germline): Pathogenic (1 of 4 stars; one submission).

Conditions:
Neurofibromatosis, type 1 (NF1). Also called: Peripheral type neurofibromatosis; NEUROFIBROMATOSIS, TYPE I, SOMATIC; Neurofibromatosis, type I; VON RECKLINGHAUSEN DISEASE. Identifiers: Orphanet 636, MedGen C0027831, MONDO:0018975, OMIM 162200. Disease mechanism: loss of function.

Submission:

Labcorp Genetics (formerly Invitae), Labcorp
Classification: Pathogenic for Neurofibromatosis, type 1. Last evaluated: 2022-11-28. Review status: criteria provided, single submitter. Criteria: Invitae Variant Classification Sherloc (09022015). Collection method: clinical testing. Allele origin: germline.
Comment: This sequence change creates a premature translational stop signal (p.Lys1823Argfs*19) in the NF1 gene. It is expected to result in an absent or disrupted protein product. Loss-of-function variants in NF1 are known to be pathogenic (PMID: 10712197, 23913538). This variant is not present in population databases (gnomAD no frequency). This premature translational stop signal has been observed in individual(s) with NF1-related conditions (PMID: 31573083). For these reasons, this variant has been classified as Pathogenic.

Literature cited by the submitters: PubMed 10712197; PubMed 23913538; PubMed 31573083.